The following is an entry in ClinVar:

NM_001330723.2(SNX27):c.1517A>G (p.Tyr506Cys)

Gene: SNX27 (sorting nexin 27; plus strand). Cytogenetic location: 1q21.3.
Variant type: single nucleotide variant.
Coding change: c.1517A>G on transcript NM_001330723.2 (MANE Select); coding-DNA position 1517, A replaced by G.
Protein change: p.Tyr506Cys; replaces tyrosine 506 with cysteine.
Molecular consequence: missense variant.
Genome position (GRCh38, 1-based): chr1:151,693,038, A>G. VCF-style: chr1-151693038-A-G. GRCh37 (hg19) VCF-style: chr1-151665514-A-G.
Other names: c.1517A>G, p.Tyr506Cys (NM_030918.6); short protein forms Y506C.
Identifiers: ClinVar variation 462812 (VCV000462812.11), dbSNP rs1553266278, ClinGen allele CA341973475.

ClinVar aggregate classification (germline): Uncertain significance (1 of 4 stars; one submission).

Conditions:
Severe myoclonic epilepsy in infancy (DRVT). Also called: Dravet syndrome; Epileptic encephalopathy, early infantile, 6 (Dravet syndrome); SEVERE MYOCLONIC EPILEPSY OF INFANCY; DEVELOPMENTAL AND EPILEPTIC ENCEPHALOPATHY 6A; Severe Myoclonic Epilepsy in Infancy (SMEI). Identifiers: Orphanet 33069, MedGen C0751122, MONDO:0100135, OMIM 607208.

Submission:

Labcorp Genetics (formerly Invitae), Labcorp
Classification: Uncertain significance for Severe myoclonic epilepsy in infancy. Last evaluated: 2022-06-04. Review status: criteria provided, single submitter. Criteria: Invitae Variant Classification Sherloc (09022015). Collection method: clinical testing. Allele origin: germline.
Comment: This sequence change replaces tyrosine, which is neutral and polar, with cysteine, which is neutral and slightly polar, at codon 506 of the SNX27 protein (p.Tyr506Cys). This variant is not present in population databases (gnomAD no frequency). This variant has not been reported in the literature in individuals affected with SNX27-related conditions. ClinVar contains an entry for this variant (Variation ID: 462812). Algorithms developed to predict the effect of missense changes on protein structure and function are either unavailable or do not agree on the potential impact of this missense change (SIFT: "Deleterious"; PolyPhen-2: "Possibly Damaging"; Align-GVGD: "Class C0"). In summary, the available evidence is currently insufficient to determine the role of this variant in disease. Therefore, it has been classified as a Variant of Uncertain Significance.